The following is an entry in ClinVar:

NM_016341.4(PLCE1):c.1927G>A (p.Ala643Thr)

Gene: PLCE1 (phospholipase C epsilon 1; plus strand). Cytogenetic location: 10q23.33.
Variant type: single nucleotide variant.
Coding change: c.1927G>A on transcript NM_016341.4 (MANE Select); coding-DNA position 1927, G replaced by A.
Protein change: p.Ala643Thr; replaces alanine 643 with threonine.
Molecular consequence: missense variant.
Genome position (GRCh38, 1-based): chr10:94,227,423, G>A. VCF-style: chr10-94227423-G-A. GRCh37 (hg19) VCF-style: chr10-95987180-G-A.
Other names: c.1003G>A, p.Ala335Thr (NM_001165979.2); c.1927G>A, p.Ala643Thr (NM_001288989.2); short protein forms A643T, A335T.
Identifiers: ClinVar variation 879317 (VCV000879317.8), dbSNP rs61886330, ClinGen allele CA5612511.

ClinVar aggregate classification (germline): Uncertain significance. Review status: criteria provided, multiple submitters, no conflicts (2 of 4 stars). 4 submissions from 4 submitters: Uncertain significance (3). 1 of the submissions does not count toward it. Last evaluated 2024-11-01.

Conditions:
Nephrotic syndrome, type 3 (NPHS3). Also called: NEPHROTIC SYNDROME, EARLY-ONSET, TYPE 3. Identifiers: Orphanet 656, MedGen C1853124, MONDO:0012546, OMIM 610725.

Allele frequency attached by ClinVar (database versions not stated): TOPMed 0.00040.
gnomAD v4.1: 677 of 1,613,948 alleles (0.042%); highest among the groups gnomAD compares: Non-Finnish European, 0.051%; no homozygotes.

Submissions (4):

Labcorp Genetics (formerly Invitae), Labcorp
Classification: Uncertain significance. Last evaluated: 2024-11-01. Review status: criteria provided, single submitter. Criteria: Invitae Variant Classification Sherloc (09022015). Collection method: clinical testing. Allele origin: germline.
Comment: This sequence change replaces alanine, which is neutral and non-polar, with threonine, which is neutral and polar, at codon 643 of the PLCE1 protein (p.Ala643Thr). This variant is present in population databases (rs61886330, gnomAD 0.05%). This variant has not been reported in the literature in individuals affected with PLCE1-related conditions. ClinVar contains an entry for this variant (Variation ID: 879317). Invitae Evidence Modeling of protein sequence and biophysical properties (such as structural, functional, and spatial information, amino acid conservation, physicochemical variation, residue mobility, and thermodynamic stability) indicates that this missense variant is not expected to disrupt PLCE1 protein function with a negative predictive value of 80%. In summary, the available evidence is currently insufficient to determine the role of this variant in disease. Therefore, it has been classified as a Variant of Uncertain Significance.

Fulgent Genetics
Classification: Uncertain significance for Nephrotic syndrome, type 3. Last evaluated: 2024-03-20. Review status: criteria provided, single submitter. Criteria: ACMG Guidelines, 2015. Collection method: clinical testing. Allele origin: germline.

Illumina Laboratory Services, Illumina
Classification: Uncertain significance for Nephrotic syndrome, type 3. Last evaluated: 2017-04-27. Review status: criteria provided, single submitter. Criteria: ICSL Variant Classification Criteria 13 December 2019. Collection method: clinical testing. Allele origin: germline.
Comment: This variant was observed as part of a predisposition screen in an ostensibly healthy population. A literature search was performed for the gene, cDNA change, and amino acid change (where applicable). Publications were found based on this search. However, the evidence from the literature, in combination with allele frequency data from public databases where available, was not sufficient to rule this variant in or out of causing disease. Therefore, this variant is classified as a variant of unknown significance.

Department of Pathology and Laboratory Medicine, Sinai Health System
Classification: Uncertain significance. Review status: no assertion criteria provided. Collection method: clinical testing. Allele origin: unknown. Affected: yes. Study: The Canadian Open Genetics Repository (COGR). Not counted in ClinVar's aggregate classification.
Comment: The PLCE1 p.Ala643Thr variant was not identified in the literature nor was it identified in ClinVar. The variant was identified in dbSNP (ID: rs61886330) and in control databases in 89 of 280922 chromosomes at a frequency of 0.0003168 (Genome Aggregation Database March 6, 2019, v2.1.1). The variant was observed in the following populations: Latino in 18 of 35376 chromosomes (freq: 0.000509), European (non-Finnish) in 58 of 128664 chromosomes (freq: 0.000451), African in 5 of 24200 chromosomes (freq: 0.000207), South Asian in 6 of 30602 chromosomes (freq: 0.000196), East Asian in 1 of 19536 chromosomes (freq: 0.000051) and European (Finnish) in 1 of 25038 chromosomes (freq: 0.00004), but was not observed in the Ashkenazi Jewish, or Other populations. The p.Ala643 residue is conserved in mammals and computational analyses (PolyPhen-2, SIFT, AlignGVGD, BLOSUM, MutationTaster) provide inconsistent predictions regarding the impact to the protein; this information is not very predictive of pathogenicity. The variant occurs outside of the splicing consensus sequence and in silico or computational prediction software programs (SpliceSiteFinder, MaxEntScan, NNSPLICE, GeneSplicer) do not predict a difference in splicing. In summary, based on the above information the clinical significance of this variant cannot be determined with certainty at this time. This variant is classified as a variant of uncertain significance.

Literature cited by the submitters: PubMed 18975016 (cited by Illumina Laboratory Services, Illumina).